The following is an entry in ClinVar:

ClinVar aggregate classification (germline): Pathogenic. Review status: criteria provided, multiple submitters, no conflicts (2 of 4 stars). 4 submissions from 4 submitters: Pathogenic (4). Last evaluated 2024-12-06.

Conditions:
Retinitis pigmentosa 19 (RP19). Also called: ABCA4-Related Retinitis Pigmentosa. Identifiers: Orphanet 791, MedGen C1866422, MONDO:0011137, OMIM 601718.
Retinitis pigmentosa (RP). Identifiers: Orphanet 791, MedGen C0035334, MeSH D012174, MONDO:0019200, OMIM 268000. Inheritance: Autosomal dominant, autosomal recessive and X linked inheritance.

gnomAD v4.1: 1 of 1,613,976 alleles (0.000062%); highest among the groups gnomAD compares: Non-Finnish European, 0.000085%; no homozygotes.

Submissions (4):

Women's Health and Genetics/Laboratory Corporation of America, LabCorp
Classification: Pathogenic for Retinitis pigmentosa. Last evaluated: 2024-12-06. Review status: criteria provided, single submitter. Criteria: LabCorp Variant Classification Summary - May 2015. Collection method: clinical testing. Allele origin: germline.
Comment: Variant summary: ABCA4 c.4383G>A (p.Trp1461X) results in a premature termination codon, predicted to cause a truncation of the encoded protein or absence of the protein due to nonsense mediated decay, which are commonly known mechanisms for disease. The variant was absent in 251024 control chromosomes. c.4383G>A has been reported in the literature in compound heterozygous individuals affected with Retinitis Pigmentosa or cone-rod dystrophy or a heterozygous individual affected with cone-rod dystrophy without a second allele change (Alapati_2014, Seo_2020, Ma_2021). To our knowledge, no experimental evidence demonstrating an impact on protein function has been reported. The following publications have been ascertained in the context of this evaluation (PMID: 25082885, 33691693, 32901917). ClinVar contains an entry for this variant (Variation ID: 871796). Based on the evidence outlined above, the variant was classified as pathogenic.

3billion
Classification: Pathogenic for Retinitis pigmentosa 19. Last evaluated: 2024-03-08. Review status: criteria provided, single submitter. Criteria: ACMG Guidelines, 2015. Collection method: clinical testing. Allele origin: germline. Affected: yes.
Comment: The variant is not observed in the gnomAD v2.1.1 dataset. Predicted Consequence/Location: Stop-gained (nonsense): predicted to result in a loss or disruption of normal protein function through nonsense-mediated decay (NMD) or protein truncation. Multiple pathogenic variants are reported downstream of the variant. The variant has been reported to be in trans with a pathogenic variant as either compound heterozygous or homozygous in at least one similarly affected unrelated individual (3billion dataset). The variant has been reported to be associated with ABCA4-related disorder (ClinVar ID: VCV000871796 /PMID: 25082885). Therefore, this variant is classified as Pathogenic according to the recommendation of ACMG/AMP guideline.

Labcorp Genetics (formerly Invitae), Labcorp
Classification: Pathogenic. Last evaluated: 2023-08-23. Review status: criteria provided, single submitter. Criteria: Invitae Variant Classification Sherloc (09022015). Collection method: clinical testing. Allele origin: germline.
Comment: This sequence change creates a premature translational stop signal (p.Trp1461*) in the ABCA4 gene. It is expected to result in an absent or disrupted protein product. Loss-of-function variants in ABCA4 are known to be pathogenic (PMID: 10958761, 24938718, 25312043, 26780318). This variant is not present in population databases (gnomAD no frequency). This premature translational stop signal has been observed in individual(s) with ABCA4 related conditions (PMID: 25082885). ClinVar contains an entry for this variant (Variation ID: 871796). Algorithms developed to predict the effect of sequence changes on RNA splicing suggest that this variant may disrupt the consensus splice site. For these reasons, this variant has been classified as Pathogenic.

CeGaT Center for Human Genetics Tuebingen
Classification: Pathogenic. Last evaluated: 2018-08-01. Review status: criteria provided, single submitter. Criteria: CeGaT Center For Human Genetics Tuebingen Variant Classification Criteria Version 2. Collection method: clinical testing. Allele origin: germline. Affected: yes. Observed: 1 variant allele.

Literature cited by the submitters: PubMed 33691693 (cited by Women's Health and Genetics/Laboratory Corporation of America, LabCorp); PubMed 32901917 (cited by Women's Health and Genetics/Laboratory Corporation of America, LabCorp); PubMed 25082885 (cited by 3 submitters); PubMed 10958761 (cited by Labcorp Genetics (formerly Invitae), Labcorp); PubMed 24938718 (cited by Labcorp Genetics (formerly Invitae), Labcorp); PubMed 25312043 (cited by Labcorp Genetics (formerly Invitae), Labcorp); PubMed 26780318 (cited by Labcorp Genetics (formerly Invitae), Labcorp).

NM_000350.3(ABCA4):c.4383G>A (p.Trp1461Ter)

Gene: ABCA4 (ATP binding cassette subfamily A member 4; minus strand). Cytogenetic location: 1p22.1.
Variant type: single nucleotide variant.
Coding change: c.4383G>A on transcript NM_000350.3 (MANE Select); coding-DNA position 4383, G replaced by A.
Protein change: p.Trp1461Ter; replaces tryptophan 1461 with a stop codon.
Molecular consequence: nonsense.
Genome position (GRCh38, 1-based): chr1:94,029,601, C>T on the plus strand (G>A on the coding strand, the complement: ABCA4 is on the minus strand). VCF-style: chr1-94029601-C-T. GRCh37 (hg19) VCF-style: chr1-94495157-C-T.
Other names: c.4161G>A, p.Trp1387Ter (NM_001425324.1); short protein forms W1461*, W1387*.
Identifiers: ClinVar variation 871796 (VCV000871796.46), dbSNP rs1347261858, ClinGen allele CA341285267.
Genomic context (GRCh38, chr1:94,029,601, plus strand): 5'-CTGTGTCCATTTCTGCTTCTGGAACAGCTGGGTGATGTTTGGGGACACAGAAGGAGTCTT[C>T]CAGGGTGTTGAGTTGCCACAGGGGTACTCCCTCATGGAAGACAAGAAAATATTCCATAAT-3'